The following is an entry in ClinVar:

NM_012155.4(EML2):c.336C>A (p.Ala112=)

Gene: EML2 (EMAP like 2; minus strand). Cytogenetic location: 19q13.32.
Variant type: single nucleotide variant.
Coding change: c.336C>A on transcript NM_012155.4 (MANE Select); coding-DNA position 336, C replaced by A.
Protein change: p.Ala112=; no amino-acid change (alanine 112 retained).
Molecular consequence: synonymous variant. On other transcripts: 5 prime UTR variant (1), non-coding transcript variant (5).
Genome position (GRCh38, 1-based): chr19:45,633,133, G>T on the plus strand (C>A on the coding strand, the complement: EML2 is on the minus strand). VCF-style: chr19-45633133-G-T. GRCh37 (hg19) VCF-style: chr19-46136391-G-T.
Other names: c.939C>A, p.Ala313= (NM_001193268.3); c.777C>A, p.Ala259= (NM_001193269.2); c.-13C>A (NM_001352051.2); c.936C>A, p.Ala312= (NM_001352052.1); c.774C>A, p.Ala258= (NM_001352053.2); c.270C>A, p.Ala90= (NM_001352054.2).
Identifiers: ClinVar variation 2650120 (VCV002650120.24), dbSNP rs2514008845, ClinGen allele CA507825912.

ClinVar aggregate classification (germline): Likely benign (1 of 4 stars; one submission).

Allele frequency attached by ClinVar (database versions not stated): gnomAD exomes below 0.00001.
gnomAD v4.1: 1 of 1,606,008 alleles (0.000062%); highest among the groups gnomAD compares: Non-Finnish European, 0.000085%; no homozygotes.

Submission:

CeGaT Center for Human Genetics Tuebingen
Classification: Likely benign. Last evaluated: 2022-05-01. Review status: criteria provided, single submitter. Criteria: CeGaT Center For Human Genetics Tuebingen Variant Classification Criteria Version 2. Collection method: clinical testing. Allele origin: germline. Affected: yes. Observed: 1 variant allele.
Comment: EML2: PM2:Supporting, BP4, BP7